The following is an entry in ClinVar:

ClinVar aggregate classification (germline): Uncertain significance (1 of 4 stars; one submission).

Allele frequency attached by ClinVar (database versions not stated): gnomAD exomes below 0.00001; gnomAD 0.00001; ExAC 0.00002; TOPMed 0.00002; ESP Exome Variant Server 0.00015.
gnomAD v4.1: 5 of 1,612,230 alleles (0.00031%); highest among the groups gnomAD compares: Non-Finnish European, 0.00042%; no homozygotes.

Submission:

Ambry Genetics
Classification: Uncertain significance. Last evaluated: 2024-02-09. Review status: criteria provided, single submitter. Criteria: Ambry Variant Classification Scheme 2023. Collection method: clinical testing. Allele origin: germline.
Comment: The p.H351Y variant (also known as c.1051C>T), located in coding exon 10 of the RAD54L gene, results from a C to T substitution at nucleotide position 1051. The histidine at codon 351 is replaced by tyrosine, an amino acid with similar properties. This amino acid position is conserved. In addition, this alteration is predicted to be tolerated by in silico analysis. Since supporting evidence is limited at this time, the clinical significance of this alteration remains unclear.

NM_003579.4(RAD54L):c.1051C>T (p.His351Tyr)

Gene: RAD54L (RAD54 like; plus strand). Cytogenetic location: 1p34.1.
Variant type: single nucleotide variant.
Coding change: c.1051C>T on transcript NM_003579.4 (MANE Select); coding-DNA position 1051, C replaced by T.
Protein change: p.His351Tyr; replaces histidine 351 with tyrosine.
Molecular consequence: missense variant.
Genome position (GRCh38, 1-based): chr1:46,270,667, C>T. VCF-style: chr1-46270667-C-T. GRCh37 (hg19) VCF-style: chr1-46736339-C-T.
Other names: c.1051C>T, p.His351Tyr (NM_001142548.2); c.511C>T, p.His171Tyr (NM_001370766.1); short protein forms H171Y, H351Y.
Identifiers: ClinVar variation 1777272 (VCV001777272.2), dbSNP rs146518411, ClinGen allele CA834462.